The following is an entry in ClinVar:

NM_006186.4(NR4A2):c.1515C>A (p.Cys505Ter)

Gene: NR4A2 (nuclear receptor subfamily 4 group A member 2; minus strand). Cytogenetic location: 2q24.1.
Variant type: single nucleotide variant.
Coding change: c.1515C>A on transcript NM_006186.4 (MANE Select); coding-DNA position 1515, C replaced by A.
Protein change: p.Cys505Ter; replaces cysteine 505 with a stop codon.
Molecular consequence: nonsense.
Genome position (GRCh38, 1-based): chr2:156,326,175, G>T on the plus strand (C>A on the coding strand, the complement: NR4A2 is on the minus strand). VCF-style: chr2-156326175-G-T. GRCh37 (hg19) VCF-style: chr2-157182687-G-T.
Other names: c.1326C>A, p.Cys442Ter (NM_173173.3); short protein forms C442*, C505*.
Identifiers: ClinVar variation 4861176 (VCV004861176.1).

ClinVar aggregate classification (germline): Likely pathogenic (1 of 4 stars; one submission).

Conditions:
Inborn genetic diseases. Identifiers: MedGen C0950123, MeSH D030342.

Submission:

Ambry Genetics
Classification: Likely pathogenic for Inborn genetic diseases. Last evaluated: 2026-03-17. Review status: criteria provided, single submitter. Criteria: Ambry Variant Classification Scheme 2023. Collection method: clinical testing. Allele origin: germline.
Comment: The c.1515C>A (p.C505*) alteration, located in exon 7 (coding exon 5) of the NR4A2 gene, consists of a C to A substitution at nucleotide position 1515. This changes the amino acid from a cysteine (C) to a stop codon at amino acid position 505. This variant is not expected to trigger nonsense-mediated mRNA decay, and impacts the last 15% of the protein. However, premature stop codons are typically deleterious in nature, the impacted region is critical for protein function (Ambry internal data), and a significant portion of the protein is affected (Ambry internal data). This variant was not reported in population-based cohorts in the Genome Aggregation Database (gnomAD). Based on the available evidence, this alteration is classified as likely pathogenic.